The following is an entry in ClinVar:

NM_001267550.2(TTN):c.106957T>G (p.Tyr35653Asp)

Genes: TTN (titin; minus strand), TTN-AS1 (TTN antisense RNA 1; plus strand). Cytogenetic location: 2q31.2.
Variant type: single nucleotide variant.
Coding change: c.106957T>G on transcript NM_001267550.2 (MANE Select); coding-DNA position 106957, T replaced by G.
Protein change: p.Tyr35653Asp; replaces tyrosine 35653 with aspartic acid.
Molecular consequence: missense variant.
Genome position (GRCh38, 1-based): chr2:178,528,794, A>C on the plus strand (T>G on the coding strand, the complement: TTN is on the minus strand). VCF-style: chr2-178528794-A-C. GRCh37 (hg19) VCF-style: chr2-179393521-A-C.
Other names: c.102034T>G, p.Tyr34012Asp (NM_001256850.1); c.79762T>G, p.Tyr26588Asp (NM_003319.4); c.99253T>G, p.Tyr33085Asp (NM_133378.4); c.80137T>G, p.Tyr26713Asp (NM_133432.3); c.80338T>G, p.Tyr26780Asp (NM_133437.4); short protein forms Y35653D, Y33085D, Y26780D, Y34012D, Y26713D, Y26588D.
Identifiers: ClinVar variation 282856 (VCV000282856.16), dbSNP rs886042500, ClinGen allele CA10604321.
Genomic context (GRCh38, chr2:178,528,794, plus strand): 5'-CTTCATCTCTGTGACTGGCTTGCTTGATGGTTAGGGTCTGATCGCTGCCTGAGACACCAT[A>C]TCGGTACTCCTCAGAGTTGGTAAGCTCTACGCCATTCAGTACCCATTTCACATCAGTGGC-3'
Protein context (NP_001254479.2, residues 35643-35663): VELTNSEEYR[Tyr35653Asp]GVSGSDQTLT

ClinVar aggregate classification (germline): Uncertain significance. Review status: criteria provided, multiple submitters, no conflicts (2 of 4 stars). 7 submissions from 3 submitters: Uncertain significance (7). Last evaluated 2026-01-18.

Conditions:
Dilated cardiomyopathy 1G (CMD1G). Identifiers: Orphanet 154, MedGen C1858763, MONDO:0011400, OMIM 604145.
Autosomal recessive limb-girdle muscular dystrophy type 2J (LGMDR10). Also called: Limb-girdle muscular dystrophy, type 2J; MUSCULAR DYSTROPHY, LIMB-GIRDLE, AUTOSOMAL RECESSIVE 10. Identifiers: Orphanet 140922, MedGen C1837342, MONDO:0012127, OMIM 608807.
Early-onset myopathy with fatal cardiomyopathy (CMYO5). Also called: Salih Myopathy; CONGENITAL MYOPATHY 5 WITH CARDIOMYOPATHY. Identifiers: Orphanet 289377, MedGen C2673677, MONDO:0012714, OMIM 611705. Disease mechanism: loss of function.
Myopathy, myofibrillar, 9, with early respiratory failure (MFM9). Also called: Hereditary myopathy with early respiratory failure; EDSTROM MYOPATHY; MYOPATHY, PROXIMAL, WITH EARLY RESPIRATORY MUSCLE INVOLVEMENT; Myopathy, distal, with early respiratory failure, autosomal dominant. Identifiers: Orphanet 178464, Orphanet 34521, MedGen C1863599, MONDO:0011362, OMIM 603689.
Tibial muscular dystrophy (TMD). Also called: UDD MYOPATHY; Udd Distal Myopathy – Tibial Muscular Dystrophy; Tibial muscular dystrophy, tardive. Identifiers: Orphanet 609, MedGen C1838244, MONDO:0010870, OMIM 600334.

Allele frequency attached by ClinVar (database versions not stated): gnomAD exomes below 0.00001 and 0.00003; gnomAD 0.00001; TOPMed 0.00002.
gnomAD v4.1: 16 of 1,613,158 alleles (0.00099%); highest among the groups gnomAD compares: Non-Finnish European, 0.0014%; no homozygotes.

Submissions (7):

Labcorp Genetics (formerly Invitae), Labcorp
Classification: Uncertain significance for Dilated cardiomyopathy 1G; Autosomal recessive limb-girdle muscular dystrophy type 2J. Last evaluated: 2026-01-18. Review status: criteria provided, single submitter. Criteria: Invitae Variant Classification Sherloc (09022015). Collection method: clinical testing. Allele origin: germline.
Comment: This sequence change replaces tyrosine, which is neutral and polar, with aspartic acid, which is acidic and polar, at codon 35653 of the TTN protein (p.Tyr35653Asp). This variant is present in population databases (no rsID available, gnomAD 0.0009%). This variant has not been reported in the literature in individuals affected with TTN-related conditions. ClinVar contains an entry for this variant (Variation ID: 282856). Experimental studies and prediction algorithms are not available or were not evaluated, and the functional significance of this variant is currently unknown. This variant is located in the M band of TTN (PMID: 25589632). Non-truncating variants in this region may be relevant for neuromuscular disorders, but have not been definitively shown to cause cardiomyopathy (PMID: 23975875). In summary, the available evidence is currently insufficient to determine the role of this variant in disease. Therefore, it has been classified as a Variant of Uncertain Significance.

Illumina Laboratory Services, Illumina
Classification: Uncertain significance for Autosomal recessive limb-girdle muscular dystrophy type 2J. Last evaluated: 2018-01-12. Review status: criteria provided, single submitter. Criteria: ICSL Variant Classification Criteria 13 December 2019. Collection method: clinical testing. Allele origin: germline.

Illumina Laboratory Services, Illumina
Classification: Uncertain significance for Tibial muscular dystrophy. Last evaluated: 2018-01-12. Review status: criteria provided, single submitter. Criteria: ICSL Variant Classification Criteria 13 December 2019. Collection method: clinical testing. Allele origin: germline.

Illumina Laboratory Services, Illumina
Classification: Uncertain significance for Dilated cardiomyopathy 1G. Last evaluated: 2018-01-12. Review status: criteria provided, single submitter. Criteria: ICSL Variant Classification Criteria 13 December 2019. Collection method: clinical testing. Allele origin: germline.

Illumina Laboratory Services, Illumina
Classification: Uncertain significance for Early-onset myopathy with fatal cardiomyopathy. Last evaluated: 2018-01-12. Review status: criteria provided, single submitter. Criteria: ICSL Variant Classification Criteria 13 December 2019. Collection method: clinical testing. Allele origin: germline.

Illumina Laboratory Services, Illumina
Classification: Uncertain significance for Myopathy, myofibrillar, 9, with early respiratory failure. Last evaluated: 2018-01-12. Review status: criteria provided, single submitter. Criteria: ICSL Variant Classification Criteria 13 December 2019. Collection method: clinical testing. Allele origin: germline.

Eurofins Ntd Llc (ga)
Classification: Uncertain significance. Last evaluated: 2015-08-20. Review status: criteria provided, single submitter. Criteria: EGL Classification Definitions 2015. Collection method: clinical testing. Allele origin: germline. Observed: 1 variant allele, 1 heterozygote.

Literature cited by the submitters: PubMed 25589632 (cited by Labcorp Genetics (formerly Invitae), Labcorp); PubMed 23975875 (cited by Labcorp Genetics (formerly Invitae), Labcorp).